The following is an entry in ClinVar:

NM_000587.4(C7):c.1621G>A (p.Glu541Lys)

Gene: C7 (complement C7; plus strand). Cytogenetic location: 5p13.1.
Variant type: single nucleotide variant.
Coding change: c.1621G>A on transcript NM_000587.4 (MANE Select); coding-DNA position 1621, G replaced by A.
Protein change: p.Glu541Lys; replaces glutamic acid 541 with lysine.
Molecular consequence: missense variant.
Genome position (GRCh38, 1-based): chr5:40,959,580, G>A. VCF-style: chr5-40959580-G-A. GRCh37 (hg19) VCF-style: chr5-40959682-G-A.
Other names: c.1621G>A (NM_000587.2); short protein forms E541K.
Identifiers: ClinVar variation 1353998 (VCV001353998.7), dbSNP rs754376639, ClinGen allele CA3250034.

ClinVar aggregate classification (germline): Uncertain significance. Review status: criteria provided, multiple submitters, no conflicts (2 of 4 stars). 2 submissions from 2 submitters: Uncertain significance (2). Last evaluated 2025-01-06.

Conditions:
Inborn genetic diseases. Identifiers: MedGen C0950123, MeSH D030342.

Allele frequency attached by ClinVar (database versions not stated): ExAC 0.00001; gnomAD exomes below 0.00001; TOPMed below 0.00001.
gnomAD v4.1: 7 of 1,608,080 alleles (0.00044%); highest among the groups gnomAD compares: Non-Finnish European, 0.00017%; no homozygotes.

Submissions (2):

Labcorp Genetics (formerly Invitae), Labcorp
Classification: Uncertain significance. Last evaluated: 2025-01-06. Review status: criteria provided, single submitter. Criteria: Invitae Variant Classification Sherloc (09022015). Collection method: clinical testing. Allele origin: germline.
Comment: This sequence change replaces glutamic acid, which is acidic and polar, with lysine, which is basic and polar, at codon 541 of the C7 protein (p.Glu541Lys). The frequency data for this variant in the population databases is considered unreliable, as metrics indicate poor data quality at this position in the gnomAD database. This variant has not been reported in the literature in individuals affected with C7-related conditions. ClinVar contains an entry for this variant (Variation ID: 1353998). Invitae Evidence Modeling of protein sequence and biophysical properties (such as structural, functional, and spatial information, amino acid conservation, physicochemical variation, residue mobility, and thermodynamic stability) indicates that this missense variant is not expected to disrupt C7 protein function with a negative predictive value of 80%. In summary, the available evidence is currently insufficient to determine the role of this variant in disease. Therefore, it has been classified as a Variant of Uncertain Significance.

Ambry Genetics
Classification: Uncertain significance for Inborn genetic diseases. Last evaluated: 2024-12-29. Review status: criteria provided, single submitter. Criteria: Ambry Variant Classification Scheme 2023. Collection method: clinical testing. Allele origin: germline.